The following is an entry in ClinVar:

NM_024675.4(PALB2):c.1700A>T (p.His567Leu)

Gene: PALB2 (partner and localizer of BRCA2; minus strand). Cytogenetic location: 16p12.2.
Variant type: single nucleotide variant.
Coding change: c.1700A>T on transcript NM_024675.4 (MANE Select); coding-DNA position 1700, A replaced by T.
Protein change: p.His567Leu; replaces histidine 567 with leucine.
Molecular consequence: missense variant. On other transcripts: 5 prime UTR variant (2), intron variant (1).
Genome position (GRCh38, 1-based): chr16:23,630,454, T>A on the plus strand (A>T on the coding strand, the complement: PALB2 is on the minus strand). VCF-style: chr16-23630454-T-A. GRCh37 (hg19) VCF-style: chr16-23641775-T-A.
Other names: c.1700A>T, p.His567Leu (NM_001407301.1, NM_001407302.1, NM_001407297.1 and 3 more transcripts); c.815A>T, p.His272Leu (NM_001407304.1, NM_001407305.1, NM_001407306.1 and 5 more transcripts); c.-89A>T (NM_001407312.1, NM_001407313.1); c.49-1179A>T (NM_001407314.1); c.1640A>T, p.His547Leu (NM_001407296.1); short protein forms H272L, H547L, H567L.
Identifiers: ClinVar variation 3413508 (VCV003413508.1).

ClinVar aggregate classification (germline): Uncertain significance (1 of 4 stars; one submission).

Conditions:
Hereditary cancer-predisposing syndrome. Also called: Neoplastic Syndromes, Hereditary; Tumor predisposition; Hereditary Cancer Syndrome; Hereditary neoplastic syndrome. Identifiers: Orphanet 140162, MedGen C0027672, MeSH D009386, MONDO:0015356.

Submission:

Ambry Genetics
Classification: Uncertain significance for Hereditary cancer-predisposing syndrome. Last evaluated: 2024-12-08. Review status: criteria provided, single submitter. Criteria: Ambry Variant Classification Scheme 2023. Collection method: clinical testing. Allele origin: germline.
Comment: The p.H567L variant (also known as c.1700A>T), located in coding exon 5 of the PALB2 gene, results from an A to T substitution at nucleotide position 1700. The histidine at codon 567 is replaced by leucine, an amino acid with similar properties. This amino acid position is conserved. In addition, this alteration is predicted to be tolerated by in silico analysis. Based on the available evidence, the clinical significance of this variant remains unclear.